The following is an entry in ClinVar:

ClinVar aggregate classification (germline): Uncertain significance (1 of 4 stars; one submission).

Submission:

ARUP Laboratories, Molecular Genetics and Genomics, ARUP Laboratories
Classification: Uncertain significance. Last evaluated: 2024-07-25. Review status: criteria provided, single submitter. Criteria: ARUP Molecular Germline Variant Investigation Process 2024. Collection method: clinical testing. Allele origin: germline.
Comment: The TTN c.47155A>G; p.Thr15719Ala variant (rs2057716865) is rare in the general population (<0.2% allele frequency in the Genome Aggregation Database) and has not been reported in the medical literature in association with dilated cardiomyopathy (DCM) or other TTN-related disease. The clinical relevance of rare missense variants in this gene, which are identified on average once per individual sequenced in affected populations (Herman 2012), is not well understood. Yet, evidence suggests that the vast majority of such missense variants do not contribute to the clinical outcome of DCM (Begay 2015). Thus, the clinical significance of the p.Thr15719Ala variant cannot be determined with certainty. References: Begay RL et al. Role of Titin Missense Variants in Dilated Cardiomyopathy. J Am Heart Assoc. 2015 Nov 13;4(11). PMID: 26567375. Herman DS et al. Truncations of titin causing dilated cardiomyopathy. N Engl J Med. 2012 Feb 16;366(7):619-28. PMID: 22335739. Linke WA and Hamdani N. Gigantic business: titin properties and function through thick and thin. Circ Res 2014; 114(6): 1052-1068. PMID: 24625729.

NM_001267550.2(TTN):c.47155A>G (p.Thr15719Ala)

Genes: TTN (titin; minus strand), TTN-AS1 (TTN antisense RNA 1; plus strand). Cytogenetic location: 2q31.2.
Variant type: single nucleotide variant.
Coding change: c.47155A>G on transcript NM_001267550.2 (MANE Select); coding-DNA position 47155, A replaced by G.
Protein change: p.Thr15719Ala; replaces threonine 15719 with alanine.
Molecular consequence: missense variant.
Genome position (GRCh38, 1-based): chr2:178,618,303, T>C on the plus strand (A>G on the coding strand, the complement: TTN is on the minus strand). VCF-style: chr2-178618303-T-C. GRCh37 (hg19) VCF-style: chr2-179483030-T-C.
Other names: c.42232A>G, p.Thr14078Ala (NM_001256850.1); c.19960A>G, p.Thr6654Ala (NM_003319.4); c.39451A>G, p.Thr13151Ala (NM_133378.4); c.20335A>G, p.Thr6779Ala (NM_133432.3); c.20536A>G, p.Thr6846Ala (NM_133437.4); short protein forms T13151A, T14078A, T15719A, T6654A, T6779A, T6846A.
Identifiers: ClinVar variation 3766744 (VCV003766744.1).